The following is an entry in ClinVar:

NM_014679.5(CEP57):c.704A>G (p.Gln235Arg)

Gene: CEP57 (centrosomal protein 57; plus strand). Cytogenetic location: 11q21.
Variant type: single nucleotide variant.
Coding change: c.704A>G on transcript NM_014679.5 (MANE Select); coding-DNA position 704, A replaced by G.
Protein change: p.Gln235Arg; replaces glutamine 235 with arginine.
Molecular consequence: missense variant.
Genome position (GRCh38, 1-based): chr11:95,821,875, A>G. VCF-style: chr11-95821875-A-G. GRCh37 (hg19) VCF-style: chr11-95555039-A-G.
Other names: c.677A>G, p.Gln226Arg (NM_001243776.2); c.704A>G, p.Gln235Arg (NM_001243777.2); c.623A>G, p.Gln208Arg (NM_001363604.2); c.704A>G (NM_014679.4); short protein forms Q208R, Q226R, Q235R.
Identifiers: ClinVar variation 1053117 (VCV001053117.10), dbSNP rs2135351781, ClinGen allele CA382404913.
Genomic context (GRCh38, chr11:95,821,875, plus strand): 5'-TCTGAGTCATAGCTTTTATTTCTACAGCATTAACTTGAGGCTCTCATTTTTCCTAGTTGC[A>G]GACTGGTCTAGAAACAAATAGACTTATCTTTGAAGATAAGGCAACTCCGTGTGTTCCCAA-3'
Protein context (NP_055494.2, residues 225-245): KRMQAKAAEL[Gln235Arg]TGLETNRLIF

ClinVar aggregate classification (germline): Uncertain significance. Review status: criteria provided, multiple submitters, no conflicts (2 of 4 stars). 2 submissions from 2 submitters: Uncertain significance (2). Last evaluated 2025-11-24.

Conditions:
Inborn genetic diseases. Identifiers: MedGen C0950123, MeSH D030342.
Mosaic variegated aneuploidy syndrome 2 (MVA2). Identifiers: Orphanet 1052, MedGen C3279843, MONDO:0013582, OMIM 614114.

Allele frequency attached by ClinVar (database versions not stated): gnomAD exomes below 0.00001.
gnomAD v4.1: 1 of 1,606,160 alleles (0.000062%); highest among the groups gnomAD compares: African/African-American, 0.0013%; no homozygotes.

Submissions (2):

Ambry Genetics
Classification: Uncertain significance for Inborn genetic diseases. Last evaluated: 2025-11-24. Review status: criteria provided, single submitter. Criteria: Ambry Variant Classification Scheme 2023. Collection method: clinical testing. Allele origin: germline.
Comment: The p.Q235R variant (also known as c.704A>G), located in coding exon 7 of the CEP57 gene, results from an A to G substitution at nucleotide position 704. The glutamine at codon 235 is replaced by arginine, an amino acid with highly similar properties. This amino acid position is conserved. In addition, the in silico prediction for this alteration is inconclusive. Based on the available evidence, the clinical significance of this variant remains unclear.

Labcorp Genetics (formerly Invitae), Labcorp
Classification: Uncertain significance for Mosaic variegated aneuploidy syndrome 2. Last evaluated: 2020-01-22. Review status: criteria provided, single submitter. Criteria: Invitae Variant Classification Sherloc (09022015). Collection method: clinical testing. Allele origin: germline.
Comment: Algorithms developed to predict the effect of missense changes on protein structure and function (SIFT, PolyPhen-2, Align-GVGD) all suggest that this variant is likely to be disruptive, but these predictions have not been confirmed by published functional studies and their clinical significance is uncertain. In summary, the available evidence is currently insufficient to determine the role of this variant in disease. Therefore, it has been classified as a Variant of Uncertain Significance. This variant has not been reported in the literature in individuals with CEP57-related conditions. This variant is not present in population databases (ExAC no frequency). This sequence change replaces glutamine with arginine at codon 235 of the CEP57 protein (p.Gln235Arg). The glutamine residue is highly conserved and there is a small physicochemical difference between glutamine and arginine.